The following is an entry in ClinVar:

NM_003640.5(ELP1):c.3845C>G (p.Ser1282Ter)

Gene: ELP1 (elongator acetyltransferase complex subunit 1; minus strand). Cytogenetic location: 9q31.3.
Variant type: single nucleotide variant.
Coding change: c.3845C>G on transcript NM_003640.5 (MANE Select); coding-DNA position 3845, C replaced by G.
Protein change: p.Ser1282Ter; replaces serine 1282 with a stop codon.
Molecular consequence: nonsense.
Genome position (GRCh38, 1-based): chr9:108,878,005, G>C on the plus strand (C>G on the coding strand, the complement: ELP1 is on the minus strand). VCF-style: chr9-108878005-G-C. GRCh37 (hg19) VCF-style: chr9-111640285-G-C.
Other names: c.3503C>G, p.Ser1168Ter (NM_001318360.2); c.2798C>G, p.Ser933Ter (NM_001330749.2); short protein forms S1168*, S1282*, S933*.
Identifiers: ClinVar variation 4815239 (VCV004815239.1).

ClinVar aggregate classification (germline): Likely pathogenic (1 of 4 stars; one submission).

Conditions:
Familial dysautonomia. Also called: HSAN III; FD. Identifiers: Orphanet 1764, MedGen C0013364, MONDO:0009131, OMIM 223900. Disease mechanism: loss of function.

gnomAD v4.1: 1 of 1,614,184 alleles (0.000062%); highest among the groups gnomAD compares: Non-Finnish European, 0.000085%; no homozygotes.

Submission:

Natera, Inc.
Classification: Likely pathogenic for Familial dysautonomia. Last evaluated: 2025-04-17. Review status: criteria provided, single submitter. Criteria: Natera Variant Classification Schema (03/2026). Collection method: clinical testing. Allele origin: germline.
Comment: The c.3845C>G variant in ELP1 is a nonsense variant predicted to introduce a stop codon at amino acid 1282. This variant is expected to result in nonsense mediated decay, truncation, or a dysfunctional protein product. This variant is rare in the general population with a frequency below the threshold expected for the associated phenotype(s). Given the available evidence, this variant is classified as Likely Pathogenic.